The following is an entry in ClinVar:

ClinVar aggregate classification (germline): Uncertain significance (0 of 4 stars; one submission).

Submission:

Department of Pathology and Laboratory Medicine, Sinai Health System
Classification: Uncertain significance. Review status: no assertion criteria provided. Collection method: clinical testing. Allele origin: unknown. Affected: yes. Study: The Canadian Open Genetics Repository (COGR).
Comment: The PPT1 c.726+3G>T variant was not identified in the literature nor was it identified in dbSNP, ClinVar or in the following control databases: the 1000 Genomes Project, the NHLBI GO Exome Sequencing Project, or the Genome Aggregation Database (March 6, 2019, v2.1.1). The c.726+3G>T variant is located in the 5' splice region but does not affect the invariant +1 and +2 positions. However, positions +3 to +6 are part of the splicing consensus sequence and variants involving these positions sometimes affect splicing. In addition, 3 of 4 in silico or computational prediction software programs (SpliceSiteFinder, MaxEntScan, NNSPLICE, GeneSplicer) predict a greater than 10% difference in splicing. However, this has not been confirmed by RNA analysis and is not predictive enough to assume pathogenicity. In summary, based on the above information the clinical significance of this variant cannot be determined with certainty at this time. This variant is classified as a variant of uncertain significance.

NM_000310.4(PPT1):c.726+3G>T

Gene: PPT1 (palmitoyl-protein thioesterase 1; minus strand). Cytogenetic location: 1p34.2.
Variant type: single nucleotide variant.
Coding change: c.726+3G>T on transcript NM_000310.4 (MANE Select); 3 bases into the intron after coding-DNA position 726, G replaced by T.
Molecular consequence: intron variant.
Genome position (GRCh38, 1-based): chr1:40,078,557, C>A on the plus strand (G>T on the coding strand, the complement: PPT1 is on the minus strand). VCF-style: chr1-40078557-C-A. GRCh37 (hg19) VCF-style: chr1-40544229-C-A.
Other names: c.417+3G>T (NM_001142604.2); c.726+3G>T (NM_001363695.2).
Identifiers: ClinVar variation 1049702 (VCV001049702.1), dbSNP rs2124472206, ClinGen allele CA2499214701.
Genomic context (GRCh38, chr1:40,078,557, plus strand): 5'-CGGCCAGCAGCCCTATTTTAATGCCATTTACTCTCCTGGCATGTGGCCTAAGTAGTGTCT[C>A]ACCTCCGAATCTACAGGGTCCACAATGGAATCATTGAGGAATTTCACCATCACAAACTTC-3'